The following is an entry in ClinVar:

ClinVar aggregate classification (germline): Uncertain significance (1 of 4 stars; one submission).

Conditions:
ANKRD17-related disorder. Also called: ANKRD17-related condition.

Submission:

PreventionGenetics, part of Exact Sciences
Classification: Uncertain significance for ANKRD17-related condition. Last evaluated: 2023-09-14. Review status: criteria provided, single submitter. Criteria: ACMG Guidelines, 2015. Collection method: clinical testing. Allele origin: germline.
Comment: The ANKRD17 c.5824A>C variant is predicted to result in the amino acid substitution p.Lys1942Gln. To our knowledge, this variant has not been reported in the literature or in a large population database, indicating this variant is rare. At this time, the clinical significance of this variant is uncertain due to the absence of conclusive functional and genetic evidence.

NM_032217.5(ANKRD17):c.5824A>C (p.Lys1942Gln)

Gene: ANKRD17 (ankyrin repeat domain 17; minus strand). Cytogenetic location: 4q13.3.
Variant type: single nucleotide variant.
Coding change: c.5824A>C on transcript NM_032217.5 (MANE Select); coding-DNA position 5824, A replaced by C.
Protein change: p.Lys1942Gln; replaces lysine 1942 with glutamine.
Molecular consequence: missense variant.
Genome position (GRCh38, 1-based): chr4:73,091,804, T>G on the plus strand (A>C on the coding strand, the complement: ANKRD17 is on the minus strand). VCF-style: chr4-73091804-T-G. GRCh37 (hg19) VCF-style: chr4-73957521-T-G.
Other names: c.5485A>C, p.Lys1829Gln (NM_001286771.3); c.5821A>C, p.Lys1941Gln (NM_015574.2); c.5071A>C, p.Lys1691Gln (NM_198889.3); short protein forms K1691Q, K1829Q, K1941Q, K1942Q.
Identifiers: ClinVar variation 2630761 (VCV002630761.1), dbSNP rs2530173630, ClinGen allele CA357216532.